The following is an entry in ClinVar:

ClinVar aggregate classification (germline): Conflicting classifications of pathogenicity. Review status: criteria provided, conflicting classifications (1 of 4 stars). 6 submissions from 6 submitters: Uncertain significance (2); Benign (2); Likely benign (2). Last evaluated 2026-02-02.

Conditions:
Combined immunodeficiency due to ZAP70 deficiency (IMD48). Also called: ZAP70 Deficiency; Immunodeficiency 48. Identifiers: Orphanet 911, MedGen C2931299, MONDO:0010023, OMIM 269840.

Allele frequency attached by ClinVar (database versions not stated): 1000 Genomes Project 30x 0.00109; 1000 Genomes Project 0.00100; gnomAD exomes 0.00189 and 0.00087; ExAC 0.00087; gnomAD 0.00100 and 0.00102; TOPMed 0.00106; ESP Exome Variant Server 0.00177.
gnomAD v4.1: 2,863 of 1,613,378 alleles (0.18%); highest among the groups gnomAD compares: Non-Finnish European, 0.22%; 3 homozygotes.

Submissions (7):

Labcorp Genetics (formerly Invitae), Labcorp
Classification: Benign for Combined immunodeficiency due to ZAP70 deficiency. Last evaluated: 2026-02-02. Review status: criteria provided, single submitter. Criteria: Invitae Variant Classification Sherloc (09022015). Collection method: clinical testing. Allele origin: germline.

Mayo Clinic Laboratories, Mayo Clinic
Classification: Likely benign. Last evaluated: 2025-01-29. Review status: criteria provided, single submitter. Criteria: ACMG Guidelines, 2015. Collection method: clinical testing. Allele origin: germline. Observed: 2 variant alleles.
Comment: BS1, BP4, BP7

Blueprint Genetics
Classification: Likely benign. Last evaluated: 2024-11-13. Review status: criteria provided, single submitter. Criteria: ACMG Guidelines, 2015. Collection method: clinical testing. Allele origin: germline.

CeGaT Center for Human Genetics Tuebingen
Classification: Uncertain significance. Last evaluated: 2024-06-01. Review status: criteria provided, single submitter. Criteria: CeGaT Center For Human Genetics Tuebingen Variant Classification Criteria Version 2. Collection method: clinical testing. Allele origin: germline. Affected: yes. Observed: 1 variant allele.
Comment: ZAP70: PM2, BP4

Women's Health and Genetics/Laboratory Corporation of America, LabCorp
Classification: Benign. Last evaluated: 2021-07-30. Review status: criteria provided, single submitter. Criteria: LabCorp Variant Classification Summary - May 2015. Collection method: clinical testing. Allele origin: germline.
Comment: Variant summary: ZAP70 c.1737-3C>T alters a non-conserved nucleotide located close to a canonical splice site and therefore could affect mRNA splicing, leading to a significantly altered protein sequence. 4/4 computational tools predict no significant impact on normal splicing. However, these predictions have yet to be confirmed by functional studies. The variant allele was found at a frequency of 0.00087 in 247054 control chromosomes, predominantly at a frequency of 0.0014 within the Non-Finnish European subpopulation in the gnomAD database. The observed variant frequency within Non-Finnish European control individuals in the gnomAD database is approximately 4 fold of the estimated maximal expected allele frequency for a pathogenic variant in ZAP70 causing Severe Combined Immunodeficiency Syndrome phenotype (0.00035), strongly suggesting that the variant is a benign polymorphism found primarily in populations of Non-Finnish European origin. To our knowledge, no occurrence of c.1737-3C>T in individuals affected with Severe Combined Immunodeficiency Syndrome and no experimental evidence demonstrating its impact on protein function have been reported. Two ClinVar submitters (evaluation after 2014) cite the variant as uncertain significance. Based on the evidence outlined above, the variant was classified as benign.

Illumina Laboratory Services, Illumina
Classification: Uncertain significance for Combined immunodeficiency due to ZAP70 deficiency. Last evaluated: 2018-01-13. Review status: criteria provided, single submitter. Criteria: ICSL Variant Classification Criteria 13 December 2019. Collection method: clinical testing. Allele origin: germline.

Dr. Peter K. Rogan Lab, Western University
No classification provided (evidence only). Condition: Melanoma. Review status: no classification provided. Collection method: in vitro. Allele origin: not applicable. Functional consequence: retained intron. Not counted in ClinVar's aggregate classification.

NM_001079.4(ZAP70):c.1737-3C>T

Gene: ZAP70 (zeta chain of T cell receptor associated protein kinase 70; plus strand). Cytogenetic location: 2q11.2.
Variant type: single nucleotide variant.
Coding change: c.1737-3C>T on transcript NM_001079.4 (MANE Select); 3 bases into the intron before coding-DNA position 1737, C replaced by T.
Molecular consequence: intron variant.
Genome position (GRCh38, 1-based): chr2:97,739,372, C>T. VCF-style: chr2-97739372-C-T. GRCh37 (hg19) VCF-style: chr2-98355835-C-T.
Other names: p.?; c.1737-3C>T (NM_001378594.1); c.816-3C>T (NM_207519.2).
Identifiers: ClinVar variation 337638 (VCV000337638.35), dbSNP rs56249179, ClinGen allele CA1790565.
Genomic context (GRCh38, chr2:97,739,372, plus strand): 5'-CCACTGGTGAAGCTGGGTCCTGGGGGCGTGGTCAGCAGCCTGGATGTACCCCACGCCCCA[C>T]AGGTGGGAGGATCGCCCCGACTTCCTGACCGTGGAGCAGCGCATGCGAGCCTGTTACTAC-3'